The following is an entry in ClinVar:

NM_000179.3(MSH6):c.3938_3941dup (p.Gln1314fs)

Gene: MSH6 (mutS homolog 6; plus strand). Cytogenetic location: 2p16.3.
Variant type: Duplication.
Coding change: c.3938_3941dup on transcript NM_000179.3 (MANE Select); coding-DNA positions 3938 to 3941, 4 bases duplicated (TTCA; older notation c.3938_3941dupTTCA).
Protein change: p.Gln1314fs; shifts the reading frame from glutamine 1314.
Molecular consequence: frameshift variant.
Genome position (GRCh38, 1-based): chr2:47,806,588-47,806,591, TTCA duplicated; duplicating any 4 consecutive bases within chr2:47,806,587-47,806,591 gives the same sequence; the c. name uses the placement nearest the transcript's 3' end. VCF-style (leftmost placement, unchanged base first): chr2-47806586-T-TATTC. GRCh37 (hg19) VCF-style: chr2-48033725-T-TATTC.
Other names: c.3548_3551dup, p.Gln1184fs (NM_001281492.2); c.3032_3035dup, p.Gln1012fs (NM_001281493.2, NM_001281494.2); c.3938_3941dupTTCA (NM_000179.2); short protein forms Q1012fs, Q1184fs, Q1314fs.
Identifiers: ClinVar variation 89485 (VCV000089485.20), dbSNP rs267608126, ClinGen allele CA014784.

ClinVar aggregate classification (germline): Pathogenic. Review status: reviewed by expert panel (3 of 4 stars). 7 submissions from 7 submitters: Pathogenic (1). 6 of the submissions do not count toward it. Last evaluated 2013-09-05.

Conditions:
Hereditary nonpolyposis colorectal neoplasms. Identifiers: MedGen C0009405, MeSH D003123.
Hereditary cancer-predisposing syndrome. Also called: Tumor predisposition; Hereditary Cancer Syndrome; Hereditary neoplastic syndrome; Neoplastic Syndromes, Hereditary. Identifiers: Orphanet 140162, MedGen C0027672, MeSH D009386, MONDO:0015356.
Lynch syndrome. Identifiers: Orphanet 144, MedGen C4552100, MONDO:0005835. Disease mechanism: loss of function.
Lynch syndrome 5 (LYNCH5). Also called: Colorectal cancer, hereditary nonpolyposis, type 5; Hereditary non-polyposis colorectal cancer, type 5. Identifiers: Orphanet 144, MedGen C1833477, MONDO:0013710, OMIM 614350. Disease mechanism: loss of function.
Endometrial carcinoma. Also called: Endometrial carcinoma, somatic. Identifiers: MedGen C0476089, MONDO:0002447, OMIM 608089, HP:0012114.

Submissions (7):

International Society for Gastrointestinal Hereditary Tumours (InSiGHT)
Classification: Pathogenic for Lynch Syndrome. Last evaluated: 2013-09-05. Review status: reviewed by expert panel. Criteria: Guidelines v1.9. Collection method: research. Allele origin: germline.
Comment: Coding sequence variation resulting in a stop codon

Classified with v1.9 guidelines

Quest Diagnostics Nichols Institute San Juan Capistrano
Classification: Likely pathogenic. Last evaluated: 2024-12-12. Review status: criteria provided, single submitter. Criteria: Quest Diagnostics criteria. Collection method: clinical testing. Allele origin: unknown. Not counted in ClinVar's aggregate classification.
Comment: The MSH6 c.3938_3941dup (p.Gln1314Hisfs*6) variant alters the translational reading frame of the MSH6 mRNA, although it is not expected to cause loss of protein expression through nonsense-mediated decay. However, this variant disrupts an important region of the protein and therefore is expected to disrupt its function. This variant has been reported in the published literature in an individual with endometrial cancer (PMID: 18269114 (2008)). This variant has not been reported in large, multi-ethnic general populations (Genome Aggregation Database). Based on the available information, this variant is classified as likely pathogenic.

Labcorp Genetics (formerly Invitae), Labcorp
Classification: Pathogenic for Hereditary nonpolyposis colorectal neoplasms. Last evaluated: 2024-09-18. Review status: criteria provided, single submitter. Criteria: Invitae Variant Classification Sherloc (09022015). Collection method: clinical testing. Allele origin: germline. Not counted in ClinVar's aggregate classification.
Comment: This sequence change creates a premature translational stop signal (p.Gln1314Hisfs*6) in the MSH6 gene. It is expected to result in an absent or disrupted protein product. Loss-of-function variants in MSH6 are known to be pathogenic (PMID: 18269114, 24362816). This variant is not present in population databases (gnomAD no frequency). This premature translational stop signal has been observed in individual(s) with endometrial cancer (PMID: 18269114). ClinVar contains an entry for this variant (Variation ID: 89485). For these reasons, this variant has been classified as Pathogenic.

Ambry Genetics
Classification: Pathogenic for Hereditary cancer-predisposing syndrome. Last evaluated: 2024-05-17. Review status: criteria provided, single submitter. Criteria: Ambry Variant Classification Scheme 2023. Collection method: clinical testing. Allele origin: germline. Not counted in ClinVar's aggregate classification.
Comment: The c.3938_3941dupTTCA pathogenic mutation, located in coding exon 9 of the MSH6 gene, results from a duplication of TTCA at nucleotide position 3938, causing a translational frameshift with a predicted alternate stop codon (p.Q1314Hfs*6). This alteration occurs at the 3' terminus of theMSH6 gene, is not expected to trigger nonsense-mediated mRNA decay, and only impacts the last 47 amino acids of the protein. However, premature stop codons are typically deleterious in nature and the impacted region is critical for protein function (Ambry internal data). This mutation was reported in a patient with a history of endometrial cancer and a family history that met Amsterdam II criteria (Devlin LA et al. Ulster Med J, 2008 Jan;77:25-30). Based on the supporting evidence, this variant is interpreted as a disease-causing mutation.

Myriad Genetics, Inc.
Classification: Pathogenic for Lynch syndrome 5. Last evaluated: 2023-08-28. Review status: criteria provided, single submitter. Criteria: Myriad Autosomal Dominant, Autosomal Recessive and X-Linked Classification Criteria (2023). Collection method: clinical testing. Allele origin: unknown. Not counted in ClinVar's aggregate classification.
Comment: This variant is considered pathogenic. This variant creates a frameshift predicted to result in premature protein truncation.

Women's Health and Genetics/Laboratory Corporation of America, LabCorp
Classification: Pathogenic for Hereditary nonpolyposis colon cancer. Last evaluated: 2016-04-27. Review status: criteria provided, single submitter. Criteria: LabCorp Variant Classification Summary - May 2015. Collection method: clinical testing. Allele origin: germline. Not counted in ClinVar's aggregate classification.
Comment: Variant summary: The variant of interest results in a frameshift mutation causes a premature termination codon, a known mechanism for disease, as these types of variants are predicted to cause transcript degradation through nonsense mediated decay or produce a truncated protein. The variant of interest has not been observed in controls (ExAC, 1000 Gs or ESP) and has been reported in an individual diagnosed with endometrial cancer via a publication. A reputable database cites the variant with a classification of "pathogenic." Therefore, taking all available lines of evidence into consideration, the variant of interest is classified as Pathogenic.

Department of Pathology and Laboratory Medicine, Sinai Health System
Classification: Pathogenic for Endometrial carcinoma. Review status: no assertion criteria provided. Collection method: clinical testing. Allele origin: unknown. Affected: yes. Study: The Canadian Open Genetics Repository (COGR). Not counted in ClinVar's aggregate classification.
Comment: The MSH6 p.Gln1314HisfsX6 variant was identified in 1 of 536 proband chromosomes (frequency: 0.002) from a cohort of Irish individuals or families with HNPCC or sporadic endometrial cancer. The individual with the variant was an endometrial case meeting Amsterdam II criteria (Devlin_2008_18269114). The variant was also identified in dbSNP (ID: rs267608126) â€šÃ„ÃºWith Pathogenic alleleâ€šÃ„Ã¹, ClinVar (classified pathogenic, reviewed by an expert panel (2013); submitters: InSIGHT, Invitae and Ambry Genetics), Clinvitae (2x), Insight Colon Cancer Gene Variant Database, and Insight Hereditary Tumors Database (1x, class 5). The variant was not identified in Genesight-COGR, Cosmic, MutDB, UMD-LSDB, Zhejiang Colon Cancer Database, Mismatch Repair Genes Variant Database, the 1000 Genomes Project, the NHLBI GO Exome Sequencing Project, the Exome Aggregation Consortium (August 8th 2016), or the Genome Aggregation Database (Feb 27, 2017). The c.3938_3941dupTTAC variant is predicted to cause a frameshift, which alters the protein's amino acid sequence beginning at codon 1314 and leads to a premature stop codon 6 codons downstream. This alteration is then predicted to result in a truncated or absent protein and loss of function. Loss of function variants of the MSH6 gene are an established mechanism of disease in Lynch syndrome and this is the type of variant expected to cause the disorder. In summary, based on the above information this variant meets our laboratoryâ€šÃ„Ã´s criteria to be classified as pathogenic.

Literature cited by the submitters: PubMed 18269114 (cited by 4 submitters); PubMed 24362816 (cited by Labcorp Genetics (formerly Invitae), Labcorp).